The following is an entry in ClinVar:

ClinVar aggregate classification (germline): Uncertain significance. Review status: criteria provided, multiple submitters, no conflicts (2 of 4 stars). 2 submissions from 2 submitters: Uncertain significance (2). Last evaluated 2025-01-06.

Conditions:
Duchenne muscular dystrophy (DMD). Also called: Duchenne Muscular Dystrophy (DMD); MUSCULAR DYSTROPHY, PSEUDOHYPERTROPHIC PROGRESSIVE, DUCHENNE TYPE. Identifiers: Orphanet 98896, MedGen C0013264, MONDO:0010679, OMIM 310200.
Cardiovascular phenotype. Identifiers: MedGen CN230736.

Allele frequency attached by ClinVar (database versions not stated): gnomAD exomes below 0.00001; ExAC 0.00001.
gnomAD v4.1: 1 of 1,211,365 alleles (0.000083%); highest among the groups gnomAD compares: Non-Finnish European, 0.00011%; no homozygotes.

Submissions (2):

Ambry Genetics
Classification: Uncertain significance for Cardiovascular phenotype. Last evaluated: 2025-01-06. Review status: criteria provided, single submitter. Criteria: Ambry Variant Classification Scheme 2023. Collection method: clinical testing. Allele origin: germline.
Comment: The p.R2778C variant (also known as c.8332C>T), located in coding exon 56 of the DMD gene, results from a C to T substitution at nucleotide position 8332. The arginine at codon 2778 is replaced by cysteine, an amino acid with highly dissimilar properties. This amino acid position is highly conserved in available vertebrate species. In addition, this alteration is predicted to be deleterious by in silico analysis. Based on the available evidence, the clinical significance of this variant remains unclear.

Labcorp Genetics (formerly Invitae), Labcorp
Classification: Uncertain significance for Duchenne muscular dystrophy. Last evaluated: 2021-06-01. Review status: criteria provided, single submitter. Criteria: Invitae Variant Classification Sherloc (09022015). Collection method: clinical testing. Allele origin: germline.
Comment: This sequence change replaces arginine with cysteine at codon 2778 of the DMD protein (p.Arg2778Cys). The arginine residue is highly conserved and there is a large physicochemical difference between arginine and cysteine. This variant is present in population databases (rs368974772, ExAC 0.002%). This variant has not been reported in the literature in individuals with DMD-related conditions. Algorithms developed to predict the effect of missense changes on protein structure and function (SIFT, PolyPhen-2, Align-GVGD) all suggest that this variant is likely to be disruptive, but these predictions have not been confirmed by published functional studies and their clinical significance is uncertain. In summary, the available evidence is currently insufficient to determine the role of this variant in disease. Therefore, it has been classified as a Variant of Uncertain Significance.

NM_004006.3(DMD):c.8332C>T (p.Arg2778Cys)

Gene: DMD (dystrophin; minus strand). Cytogenetic location: Xp21.1.
Variant type: single nucleotide variant.
Coding change: c.8332C>T on transcript NM_004006.3 (MANE Select); coding-DNA position 8332, C replaced by T.
Protein change: p.Arg2778Cys; replaces arginine 2778 with cysteine.
Molecular consequence: missense variant.
Genome position (GRCh38, 1-based): chrX:31,507,339, G>A on the plus strand (C>T on the coding strand, the complement: DMD is on the minus strand). VCF-style: chrX-31507339-G-A. GRCh37 (hg19) VCF-style: chrX-31525456-G-A.
Other names: c.8332C>T (NM_004006.2); c.8308C>T, p.Arg2770Cys (NM_000109.4); c.8320C>T, p.Arg2774Cys (NM_004009.3); c.7963C>T, p.Arg2655Cys (NM_004010.3); c.4309C>T, p.Arg1437Cys (NM_004011.4); c.4300C>T, p.Arg1434Cys (NM_004012.4); c.952C>T, p.Arg318Cys (NM_004013.3, NM_004020.4, NM_004021.3 and 2 more transcripts); c.145C>T, p.Arg49Cys (NM_004014.3); short protein forms R318C, R1437C, R2770C, R49C, R2655C, R1434C, R2774C, R2778C.
Identifiers: ClinVar variation 1464030 (VCV001464030.9), dbSNP rs368974772, ClinGen allele CA10378092.